The following is an entry in ClinVar:

NM_004172.5(SLC1A3):c.922G>A (p.Gly308Ser)

Genes: SLC1A3 (solute carrier family 1 member 3; plus strand), SLC1A3-AS1 (SLC1A3 antisense RNA 1; minus strand). Cytogenetic location: 5p13.2.
Variant type: single nucleotide variant.
Coding change: c.922G>A on transcript NM_004172.5 (MANE Select); coding-DNA position 922, G replaced by A.
Protein change: p.Gly308Ser; replaces glycine 308 with serine.
Molecular consequence: missense variant.
Genome position (GRCh38, 1-based): chr5:36,679,688, G>A. VCF-style: chr5-36679688-G-A. GRCh37 (hg19) VCF-style: chr5-36679790-G-A.
Other names: c.922G>A, p.Gly308Ser (NM_001166695.3); c.784G>A, p.Gly262Ser (NM_001289939.2); c.586G>A, p.Gly196Ser (NM_001289940.2); short protein forms G196S, G262S, G308S.
Identifiers: ClinVar variation 1256123 (VCV001256123.9), dbSNP rs1290342061, ClinGen allele CA359480827.

ClinVar aggregate classification (germline): Uncertain significance. Review status: criteria provided, multiple submitters, no conflicts (2 of 4 stars). 2 submissions from 2 submitters: Uncertain significance (2). Last evaluated 2021-04-28.

Submissions (2):

Labcorp Genetics (formerly Invitae), Labcorp
Classification: Uncertain significance. Last evaluated: 2021-04-28. Review status: criteria provided, single submitter. Criteria: Invitae Variant Classification Sherloc (09022015). Collection method: clinical testing. Allele origin: germline.
Comment: Algorithms developed to predict the effect of missense changes on protein structure and function are either unavailable or do not agree on the potential impact of this missense change (SIFT: "Deleterious"; PolyPhen-2: "Benign"; Align-GVGD: "Class C0"). This variant has not been reported in the literature in individuals with SLC1A3-related conditions. In summary, the available evidence is currently insufficient to determine the role of this variant in disease. Therefore, it has been classified as a Variant of Uncertain Significance. This variant is not present in population databases (ExAC no frequency). This sequence change replaces glycine with serine at codon 308 of the SLC1A3 protein (p.Gly308Ser). The glycine residue is highly conserved and there is a small physicochemical difference between glycine and serine.

Athena Diagnostics
Classification: Uncertain significance. Last evaluated: 2020-12-31. Review status: criteria provided, single submitter. Criteria: Athena Diagnostics criteria. Collection method: clinical testing. Allele origin: unknown.